The following is an entry in ClinVar:

NM_000275.3(OCA2):c.2336del (p.Gly779fs)

Gene: OCA2 (OCA2 melanosomal transmembrane protein; minus strand). Cytogenetic location: 15q13.1.
Variant type: Deletion.
Coding change: c.2336del on transcript NM_000275.3 (MANE Select); coding-DNA position 2336, one base deleted (G; older notation c.2336delG).
Protein change: p.Gly779fs; shifts the reading frame from glycine 779.
Molecular consequence: frameshift variant.
Genome position (GRCh38, 1-based): chr15:27,851,384, C deleted on the plus strand (G on the coding strand, the reverse complement: OCA2 is on the minus strand); the first of 3 consecutive C bases (chr15:27,851,384-27,851,386); deleting any one gives the same sequence. VCF-style (leftmost placement, unchanged base first): chr15-27851383-TC-T. GRCh37 (hg19) VCF-style: chr15-28096529-TC-T.
Other names: c.2264del, p.Gly755fs (NM_001300984.2); c.2336delG (NM_000275.2); c.2336del (NM_000275.2); short protein forms G755fs, G779fs.
Identifiers: ClinVar variation 1013060 (VCV001013060.43), dbSNP rs1261095563, ClinGen allele CA616702032.
Genomic context (GRCh38, chr15:27,851,383, plus strand): 5'-TGGGCTGAACCACAGTGTGGGCGTGCACCCCCACCCCCATGCAGTCAGCAGCCCCTTACC[TC>T]CCAGGCAAGCACCGAAGGCCAGGGCATACATGAGCGGCGGTGCGGGCAGGCCAACCTCAG-3'

ClinVar aggregate classification (germline): Pathogenic. Review status: criteria provided, multiple submitters, no conflicts (2 of 4 stars). 4 submissions from 4 submitters: Pathogenic (4). Last evaluated 2026-03-05.

Conditions:
OCA2-related disorder. Also called: OCA2-related condition.

Submissions (4):

PreventionGenetics, part of Exact Sciences
Classification: Pathogenic for OCA2-related condition. Last evaluated: 2026-03-05. Review status: criteria provided, single submitter. Criteria: ACMG Guidelines, 2015. Collection method: clinical testing. Allele origin: germline.
Comment: The OCA2 c.2336delG variant is predicted to result in a frameshift and premature protein termination (p.Gly779Glufs*6). This variant has been reported along with a second OCA2 variant in an individual with oculocutaneous albinism (Grønskov et al. 2008. PubMed ID: 19060277). This variant is present in 0.0065% of alleles in individuals of European (Non-Finnish) descent in gnomAD. Frameshift variants in OCA2 are an established mechanism of disease. This variant is interpreted as pathogenic.

GeneDx
Classification: Pathogenic. Last evaluated: 2024-09-19. Review status: criteria provided, single submitter. Criteria: GeneDx Variant Classification Process June 2021. Collection method: clinical testing. Allele origin: germline. Affected: yes.
Comment: Frameshift variant predicted to result in protein truncation or nonsense mediated decay in a gene for which loss of function is a known mechanism of disease; Not observed at significant frequency in large population cohorts (gnomAD); This variant is associated with the following publications: (PMID: 10987646, 19060277)

Labcorp Genetics (formerly Invitae), Labcorp
Classification: Pathogenic. Last evaluated: 2023-11-10. Review status: criteria provided, single submitter. Criteria: Invitae Variant Classification Sherloc (09022015). Collection method: clinical testing. Allele origin: germline.
Comment: This sequence change creates a premature translational stop signal (p.Gly779Glufs*6) in the OCA2 gene. It is expected to result in an absent or disrupted protein product. Loss-of-function variants in OCA2 are known to be pathogenic (PMID: 19865097, 21541274). This variant is present in population databases (no rsID available, gnomAD 0.007%). This premature translational stop signal has been observed in individual(s) with oculocutaneous albinism (PMID: 10987646, 19060277). ClinVar contains an entry for this variant (Variation ID: 1013060). For these reasons, this variant has been classified as Pathogenic.

CeGaT Center for Human Genetics Tuebingen
Classification: Pathogenic. Last evaluated: 2020-11-01. Review status: criteria provided, single submitter. Criteria: CeGaT Center For Human Genetics Tuebingen Variant Classification Criteria Version 2. Collection method: clinical testing. Allele origin: germline. Affected: yes. Observed: 1 variant allele.

Literature cited by the submitters: PubMed 19865097 (cited by Labcorp Genetics (formerly Invitae), Labcorp); PubMed 21541274 (cited by Labcorp Genetics (formerly Invitae), Labcorp); PubMed 10987646 (cited by Labcorp Genetics (formerly Invitae), Labcorp); PubMed 19060277 (cited by Labcorp Genetics (formerly Invitae), Labcorp).